The following is an entry in ClinVar:

NM_020232.5(PSMG2):c.21G>C (p.Glu7Asp)

Gene: PSMG2 (proteasome assembly chaperone 2; plus strand). Cytogenetic location: 18p11.21.
Variant type: single nucleotide variant.
Coding change: c.21G>C on transcript NM_020232.5 (MANE Select); coding-DNA position 21, G replaced by C.
Protein change: p.Glu7Asp; replaces glutamic acid 7 with aspartic acid.
Molecular consequence: missense variant. On other transcripts: intron variant (1).
Genome position (GRCh38, 1-based): chr18:12,703,128, G>C. VCF-style: chr18-12703128-G-C. GRCh37 (hg19) VCF-style: chr18-12703127-G-C.
Other names: c.-36-3422G>C (NM_147163.2); short protein forms E7D.
Identifiers: ClinVar variation 2118453 (VCV002118453.4), dbSNP rs2510983894, ClinGen allele CA401964430.

ClinVar aggregate classification (germline): Uncertain significance (1 of 4 stars; one submission).

Submission:

Labcorp Genetics (formerly Invitae), Labcorp
Classification: Uncertain significance. Last evaluated: 2022-03-27. Review status: criteria provided, single submitter. Criteria: Invitae Variant Classification Sherloc (09022015). Collection method: clinical testing. Allele origin: germline.
Comment: This sequence change replaces glutamic acid, which is acidic and polar, with aspartic acid, which is acidic and polar, at codon 7 of the PSMG2 protein (p.Glu7Asp). In summary, the available evidence is currently insufficient to determine the role of this variant in disease. Therefore, it has been classified as a Variant of Uncertain Significance. Algorithms developed to predict the effect of missense changes on protein structure and function output the following: SIFT: "Tolerated"; PolyPhen-2: "Benign"; Align-GVGD: "Class C0". The aspartic acid amino acid residue is found in multiple mammalian species, which suggests that this missense change does not adversely affect protein function. This variant has not been reported in the literature in individuals affected with PSMG2-related conditions. This variant is not present in population databases (gnomAD no frequency).